The following is an entry in ClinVar:

NM_001277115.2(DNAH11):c.13380_13383dup (p.Ala4462fs)

Genes: CDCA7L (cell division cycle associated 7 like; minus strand), DNAH11 (dynein axonemal heavy chain 11; plus strand). Cytogenetic location: 7p15.3.
Variant type: Duplication.
Coding change: c.13380_13383dup on transcript NM_001277115.2 (MANE Select); coding-DNA positions 13380 to 13383, 4 bases duplicated (CTTT; older notation c.13380_13383dupCTTT).
Protein change: p.Ala4462fs; shifts the reading frame from alanine 4462.
Molecular consequence: frameshift variant. On other transcripts: 3 prime UTR variant (3).
Genome position (GRCh38, 1-based): chr7:21,901,083-21,901,086, CTTT duplicated; duplicating any 4 consecutive bases within chr7:21,901,082-21,901,086 gives the same sequence; the c. name uses the placement nearest the transcript's 3' end. VCF-style (leftmost placement, unchanged base first): chr7-21901081-A-ATCTT. GRCh37 (hg19) VCF-style: chr7-21940699-A-ATCTT.
Other names: c.*1237_*1240dup (NM_001127370.3, NM_001127371.3, NM_018719.5); short protein forms A4462fs.
Identifiers: ClinVar variation 2919234 (VCV002919234.3), dbSNP rs2534164126, ClinGen allele CA2578844101.

ClinVar aggregate classification (germline): Pathogenic (1 of 4 stars; one submission).

Conditions:
Primary ciliary dyskinesia. Also called: Ciliary dyskinesia. Identifiers: Orphanet 244, MedGen C0008780, MONDO:0016575, HP:0012265.

Submission:

Labcorp Genetics (formerly Invitae), Labcorp
Classification: Pathogenic for Primary ciliary dyskinesia. Last evaluated: 2023-12-25. Review status: criteria provided, single submitter. Criteria: Invitae Variant Classification Sherloc (09022015). Collection method: clinical testing. Allele origin: germline.
Comment: This sequence change creates a premature translational stop signal (p.Ala4462Leufs*22) in the DNAH11 gene. While this is not anticipated to result in nonsense mediated decay, it is expected to disrupt the last 55 amino acid(s) of the DNAH11 protein. This variant is not present in population databases (gnomAD no frequency). This premature translational stop signal has been observed in individual(s) with primary ciliary dyskinesia (PMID: 31879361). This variant disrupts a region of the DNAH11 protein in which other variant(s) (p.Trp4505Serfs*10) have been determined to be pathogenic (Invitae). This suggests that this is a clinically significant region of the protein, and that variants that disrupt it are likely to be disease-causing. For these reasons, this variant has been classified as Pathogenic.

Literature cited by the submitters: PubMed 31879361.